The following is an entry in ClinVar:

NM_032581.4(HYCC1):c.1373G>A (p.Ser458Asn)

Gene: HYCC1 (hyccin PI4KA lipid kinase complex subunit 1; minus strand). Cytogenetic location: 7p15.3.
Variant type: single nucleotide variant.
Coding change: c.1373G>A on transcript NM_032581.4 (MANE Select); coding-DNA position 1373, G replaced by A.
Protein change: p.Ser458Asn; replaces serine 458 with asparagine.
Molecular consequence: missense variant. On other transcripts: 3 prime UTR variant (2).
Genome position (GRCh38, 1-based): chr7:22,945,782, C>T on the plus strand (G>A on the coding strand, the complement: HYCC1 is on the minus strand). VCF-style: chr7-22945782-C-T. GRCh37 (hg19) VCF-style: chr7-22985401-C-T.
Other names: c.*409G>A (NM_001363466.2); c.*367G>A (NM_001363467.2); short protein forms S458N.
Identifiers: ClinVar variation 2025861 (VCV002025861.4), dbSNP rs2534333325, ClinGen allele CA366969849.

ClinVar aggregate classification (germline): Uncertain significance (1 of 4 stars; one submission).

Conditions:
Hypomyelination and Congenital Cataract (HLD5). Also called: hypomyelinating leukodystrophy 5. Identifiers: Orphanet 85163, MedGen C1864663, MONDO:0012514, OMIM 610532.

Submission:

Labcorp Genetics (formerly Invitae), Labcorp
Classification: Uncertain significance for Hypomyelination and Congenital Cataract. Last evaluated: 2022-08-21. Review status: criteria provided, single submitter. Criteria: Invitae Variant Classification Sherloc (09022015). Collection method: clinical testing. Allele origin: germline.
Comment: This sequence change replaces serine, which is neutral and polar, with asparagine, which is neutral and polar, at codon 458 of the FAM126A protein (p.Ser458Asn). This variant is not present in population databases (gnomAD no frequency). This variant has not been reported in the literature in individuals affected with FAM126A-related conditions. Algorithms developed to predict the effect of missense changes on protein structure and function (SIFT, PolyPhen-2, Align-GVGD) all suggest that this variant is likely to be tolerated. In summary, the available evidence is currently insufficient to determine the role of this variant in disease. Therefore, it has been classified as a Variant of Uncertain Significance.